The following is an entry in ClinVar:

ClinVar aggregate classification (germline): Pathogenic. Review status: criteria provided, multiple submitters, no conflicts (2 of 4 stars). 2 submissions from 2 submitters: Pathogenic (2). Last evaluated 2022-10-09.

Conditions:
Long QT syndrome 1 (LQT1). Identifiers: Orphanet 101016, Orphanet 768, MedGen C4551647, MONDO:0100316, OMIM 192500, MONDO:0008646.
Long QT syndrome (LQTS). Identifiers: MedGen C0023976, MeSH D008133, MONDO:0002442. Disease mechanism: loss of function. Inheritance: Various modes of inheritance.

Submissions (2):

Labcorp Genetics (formerly Invitae), Labcorp
Classification: Pathogenic for Long QT syndrome. Last evaluated: 2022-10-09. Review status: criteria provided, single submitter. Criteria: Invitae Variant Classification Sherloc (09022015). Collection method: clinical testing. Allele origin: germline.
Comment: For these reasons, this variant has been classified as Pathogenic. Studies have shown that disruption of this splice site results in skipping of exon 9 and exons 8-9, but is expected to preserve the integrity of the reading-frame (PMID: 24373870). ClinVar contains an entry for this variant (Variation ID: 812675). Disruption of this splice site has been observed in individuals with long QT syndrome (PMID: 24363352, 24373870). This variant is not present in population databases (gnomAD no frequency). This sequence change affects a donor splice site in intron 9 of the KCNQ1 gene. RNA analysis indicates that disruption of this splice site induces altered splicing and likely results in a shortened protein product.

Swiss DNAlysis
Classification: Pathogenic for Long QT syndrome 1. Last evaluated: 2020-01-21. Review status: criteria provided, single submitter. Criteria: ACMG Guidelines, 2015. Collection method: clinical testing. Allele origin: germline. Inheritance: Autosomal dominant inheritance. Affected: yes. Observed: 1 heterozygote.

Literature cited by the submitters: PubMed 24373870 (cited by Labcorp Genetics (formerly Invitae), Labcorp); PubMed 24363352 (cited by Labcorp Genetics (formerly Invitae), Labcorp).

NM_000218.3(KCNQ1):c.1251+1G>A

Gene: KCNQ1 (potassium voltage-gated channel subfamily Q member 1; plus strand). Cytogenetic location: 11p15.5.
Variant type: single nucleotide variant.
Coding change: c.1251+1G>A on transcript NM_000218.3 (MANE Select); the canonical splice donor site of the intron after coding-DNA position 1251, G replaced by A.
Molecular consequence: splice donor variant.
Genome position (GRCh38, 1-based): chr11:2,587,693, G>A. VCF-style: chr11-2587693-G-A. GRCh37 (hg19) VCF-style: chr11-2608923-G-A.
Other names: c.981+1G>A (NM_001406837.1); c.1155+1G>A (NM_001406836.1); c.711+1G>A (NM_001406838.1); c.870+1G>A (NM_181798.2).
Identifiers: ClinVar variation 812675 (VCV000812675.10), dbSNP rs1589968661, ClinGen allele CA379134883.